The following is an entry in ClinVar:

ClinVar aggregate classification (germline): Uncertain significance. Review status: criteria provided, multiple submitters, no conflicts (2 of 4 stars). 5 submissions from 5 submitters: Uncertain significance (5). Last evaluated 2025-12-18.

Conditions:
Inborn genetic diseases. Identifiers: MedGen C0950123, MeSH D030342.
EAST syndrome (SESAMES). Also called: SEIZURES, SENSORINEURAL DEAFNESS, ATAXIA, IMPAIRED INTELLECTUAL DEVELOPMENT, AND ELECTROLYTE IMBALANCE. Identifiers: Orphanet 199343, MedGen C2748572, MONDO:0013005, OMIM 612780.
Autosomal recessive nonsyndromic hearing loss 4 (DFNB4). Also called: Nonsyndromic enlarged vestibular aqueduct (NSEVA); DEAFNESS, AUTOSOMAL RECESSIVE 4, WITH ENLARGED VESTIBULAR AQUEDUCT, DIGENIC; Deafness, autosomal recessive 4, with enlarged vestibular aqueduct; FOXI1-Related Pendred Syndrome; KCNJ10-Related Pendred Syndrome; NEUROSENSORY NONSYNDROMIC RECESSIVE DEAFNESS 4. Identifiers: Orphanet 90636, MedGen C3538946, MONDO:0010933, OMIM 600791.

Allele frequency attached by ClinVar (database versions not stated): gnomAD 0.00001; ExAC 0.00002; gnomAD exomes 0.00002; ESP Exome Variant Server 0.00008; TOPMed 0.00008.

Submissions (5):

Labcorp Genetics (formerly Invitae), Labcorp
Classification: Uncertain significance for EAST syndrome. Last evaluated: 2025-12-18. Review status: criteria provided, single submitter. Criteria: Invitae Variant Classification Sherloc (09022015). Collection method: clinical testing. Allele origin: germline.
Comment: This sequence change replaces valine, which is neutral and non-polar, with methionine, which is neutral and non-polar, at codon 84 of the KCNJ10 protein (p.Val84Met). This variant is present in population databases (rs140646329, gnomAD 0.007%). This missense change has been observed in individual(s) with focal seizures, autism, and developmental delay (PMID: 27677466). ClinVar contains an entry for this variant (Variation ID: 205819). Invitae Evidence Modeling of protein sequence and biophysical properties (such as structural, functional, and spatial information, amino acid conservation, physicochemical variation, residue mobility, and thermodynamic stability) indicates that this missense variant is not expected to disrupt KCNJ10 protein function with a negative predictive value of 95%. Experimental studies have shown that this missense change affects KCNJ10 function (PMID: 21458570, 27677466). In summary, the available evidence is currently insufficient to determine the role of this variant in disease. Therefore, it has been classified as a Variant of Uncertain Significance.

Fulgent Genetics
Classification: Uncertain significance for Autosomal recessive nonsyndromic hearing loss 4; EAST syndrome. Last evaluated: 2024-06-12. Review status: criteria provided, single submitter. Criteria: ACMG Guidelines, 2015. Collection method: clinical testing. Allele origin: germline.

Blueprint Genetics
Classification: Uncertain significance. Last evaluated: 2023-12-04. Review status: criteria provided, single submitter. Criteria: ACMG Guidelines, 2015. Collection method: clinical testing. Allele origin: germline.

Ambry Genetics
Classification: Uncertain significance for Inborn genetic diseases. Last evaluated: 2022-06-07. Review status: criteria provided, single submitter. Criteria: Ambry Variant Classification Scheme 2023. Collection method: clinical testing. Allele origin: germline.

GeneDx
Classification: Uncertain significance. Last evaluated: 2018-07-11. Review status: criteria provided, single submitter. Criteria: GeneDx Variant Classification (06012015). Collection method: clinical testing. Allele origin: germline. Affected: yes.
Comment: A variant of uncertain significance has been identified in the KCNJ10 gene. The V84M variant was previously identified as a heterozygous change in an individual with complex partial seizures, severe intellectual disability, and autism; however, this variant was also identified in multiple unaffected family members (Sicca et al., 2011). Although functional studies suggest that V84M results in a gain-of function that leads to neuronal hyperexcitability and altered synaptic function (Sicca et al., 2011; Sicca et al., 2016), no other nearby gain of function variants have been reported in the Human Gene Mutation Database in association with KCNJ10-related disorders (Stenson et al., 2014). The V84M variant is not observed at a significant frequency in large population cohorts (Lek et al., 2016). The V84M variant is a conservative amino acid substitution, which is not likely to impact secondary protein structure as these residues share similar properties. In-silico analyses, including protein predictors and evolutionary conservation, support that this variant does not alter protein structure/function. Based on the currently available information, it is unclear whether this variant is a pathogenic variant or a rare benign variant.

Literature cited by the submitters: PubMed 27677466 (cited by Labcorp Genetics (formerly Invitae), Labcorp); PubMed 21458570 (cited by Labcorp Genetics (formerly Invitae), Labcorp).

NM_002241.5(KCNJ10):c.250G>A (p.Val84Met)

Gene: KCNJ10 (potassium inwardly rectifying channel subfamily J member 10; minus strand). Cytogenetic location: 1q23.2.
Variant type: single nucleotide variant.
Coding change: c.250G>A on transcript NM_002241.5 (MANE Select); coding-DNA position 250, G replaced by A.
Protein change: p.Val84Met; replaces valine 84 with methionine.
Molecular consequence: missense variant.
Genome position (GRCh38, 1-based): chr1:160,042,283, C>T on the plus strand (G>A on the coding strand, the complement: KCNJ10 is on the minus strand). VCF-style: chr1-160042283-C-T. GRCh37 (hg19) VCF-style: chr1-160012073-C-T.
Other names: p.V84M:GTG>ATG; short protein forms V84M.
Identifiers: ClinVar variation 205819 (VCV000205819.16), dbSNP rs140646329, ClinGen allele CA315265.